The following is an entry in ClinVar:

ClinVar aggregate classification (germline): Likely benign. Review status: criteria provided, multiple submitters, no conflicts (2 of 4 stars). 3 submissions from 3 submitters: Likely benign (3). Last evaluated 2025-09-02.

Conditions:
Catecholaminergic polymorphic ventricular tachycardia 1. Also called: VENTRICULAR TACHYCARDIA, CATECHOLAMINERGIC POLYMORPHIC, 1, WITH OR WITHOUT ATRIAL DYSFUNCTION AND/OR DILATED CARDIOMYOPATHY; VENTRICULAR TACHYCARDIA, STRESS-INDUCED POLYMORPHIC 1; RYR2-Related Catecholaminergic Polymorphic Ventricular Tachycardia. Identifiers: Orphanet 3286, MedGen C1631597, MONDO:0011484, OMIM 604772.

Allele frequency attached by ClinVar (database versions not stated): ExAC 0.00001; gnomAD exomes 0.00001; TOPMed 0.00004; gnomAD 0.00006 and 0.00007.
gnomAD v4.1: 15 of 1,594,230 alleles (0.00094%); highest among the groups gnomAD compares: African/African-American, 0.012%; no homozygotes.

Submissions (3):

Labcorp Genetics (formerly Invitae), Labcorp
Classification: Likely benign for Catecholaminergic polymorphic ventricular tachycardia 1. Last evaluated: 2025-09-02. Review status: criteria provided, single submitter. Criteria: Invitae Variant Classification Sherloc (09022015). Collection method: clinical testing. Allele origin: germline.

Blueprint Genetics
Classification: Likely benign. Last evaluated: 2024-09-10. Review status: criteria provided, single submitter. Criteria: ACMG Guidelines, 2015. Collection method: clinical testing. Allele origin: germline.

GeneDx
Classification: Likely benign. Last evaluated: 2017-12-19. Review status: criteria provided, single submitter. Criteria: GeneDx Variant Classification (06012015). Collection method: clinical testing. Allele origin: germline. Affected: yes.
Comment: This variant is considered likely benign or benign based on one or more of the following criteria: it is a conservative change, it occurs at a poorly conserved position in the protein, it is predicted to be benign by multiple in silico algorithms, and/or has population frequency not consistent with disease.

NM_001035.3(RYR2):c.273+12A>G

Gene: RYR2 (ryanodine receptor 2; plus strand). Cytogenetic location: 1q43.
Variant type: single nucleotide variant.
Coding change: c.273+12A>G on transcript NM_001035.3 (MANE Select); 12 bases into the intron after coding-DNA position 273, A replaced by G.
Molecular consequence: intron variant.
Genome position (GRCh38, 1-based): chr1:237,330,994, A>G. VCF-style: chr1-237330994-A-G. GRCh37 (hg19) VCF-style: chr1-237494294-A-G.
Other names: c.273+12A>G (LRG_402t1).
Identifiers: ClinVar variation 514202 (VCV000514202.11), dbSNP rs773831812, ClinGen allele CA086142.